The following is an entry in ClinVar:

ClinVar aggregate classification (germline): Likely pathogenic. Review status: criteria provided, multiple submitters, no conflicts (2 of 4 stars). 2 submissions from 2 submitters: Likely pathogenic (2). Last evaluated 2025-06-12.

Conditions:
Retinitis pigmentosa 81 (RP81). Identifiers: MedGen C4693443, MONDO:0036482, OMIM 617871.
Short-rib thoracic dysplasia 18 with polydactyly. Identifiers: MedGen C4693420, MONDO:0036483, OMIM 617866.
Cranioectodermal dysplasia 3 (CED3). Identifiers: Orphanet 1515, MedGen C3279807, MONDO:0013573, OMIM 614099.

Allele frequency attached by ClinVar (database versions not stated): gnomAD exomes below 0.00001 and 0.00001; TOPMed below 0.00001; gnomAD 0.00001; ExAC 0.00002.

Submissions (2):

Labcorp Genetics (formerly Invitae), Labcorp
Classification: Likely pathogenic. Last evaluated: 2025-06-12. Review status: criteria provided, single submitter. Criteria: Invitae Variant Classification Sherloc (09022015). Collection method: clinical testing. Allele origin: germline.
Comment: This variant results in the deletion of part of exon 3 (c.214_215+2del) of the IFT43 gene. It is expected to disrupt RNA splicing. Variants that disrupt the donor or acceptor splice site typically lead to a loss of protein function (PMID: 16199547), and loss-of-function variants in IFT43 are known to be pathogenic (PMID: 21378380, 28400947). This variant is present in population databases (rs777112610, gnomAD 0.02%). This variant has not been reported in the literature in individuals affected with IFT43-related conditions. ClinVar contains an entry for this variant (Variation ID: 631717). In summary, the currently available evidence indicates that the variant is pathogenic, but additional data are needed to prove that conclusively. Therefore, this variant has been classified as Likely Pathogenic.

Fulgent Genetics
Classification: Likely pathogenic for Cranioectodermal dysplasia 3; Short-rib thoracic dysplasia 18 with polydactyly; Retinitis pigmentosa 81. Last evaluated: 2024-05-21. Review status: criteria provided, single submitter. Criteria: ACMG Guidelines, 2015. Collection method: clinical testing. Allele origin: germline.

Literature cited by the submitters: PubMed 16199547 (cited by Labcorp Genetics (formerly Invitae), Labcorp); PubMed 21378380 (cited by Labcorp Genetics (formerly Invitae), Labcorp); PubMed 28400947 (cited by Labcorp Genetics (formerly Invitae), Labcorp).

NM_001102564.3(IFT43):c.214_215+2del

Gene: IFT43 (intraflagellar transport 43; plus strand). Cytogenetic location: 14q24.3.
Variant type: Deletion.
Coding change: c.214_215+2del on transcript NM_001102564.3 (MANE Select); coding-DNA position 214 through the canonical splice donor site of the intron after coding-DNA position 215, 4 bases deleted (AAGT; older notation c.214_215+2delAAGT).
Molecular consequence: splice donor variant.
Genome position (GRCh38, 1-based): chr14:76,022,393-76,022,396, AAGT deleted. VCF-style (leftmost placement, unchanged base first): chr14-76022392-GAAGT-G. GRCh37 (hg19) VCF-style: chr14-76488735-GAAGT-G.
Other names: c.214_215+2del (NM_052873.3, NM_001255995.3).
Identifiers: ClinVar variation 631717 (VCV000631717.6), dbSNP rs777112610, ClinGen allele CA7280693.